The following is an entry in ClinVar:

NM_000217.3(KCNA1):c.370G>A (p.Glu124Lys)

Gene: KCNA1 (potassium voltage-gated channel subfamily A member 1; plus strand). Cytogenetic location: 12p13.32.
Variant type: single nucleotide variant.
Coding change: c.370G>A on transcript NM_000217.3 (MANE Select); coding-DNA position 370, G replaced by A.
Protein change: p.Glu124Lys; replaces glutamic acid 124 with lysine.
Molecular consequence: missense variant.
Genome position (GRCh38, 1-based): chr12:4,911,748, G>A. VCF-style: chr12-4911748-G-A. GRCh37 (hg19) VCF-style: chr12-5020914-G-A.
Other names: short protein forms E124K.
Identifiers: ClinVar variation 463863 (VCV000463863.8), dbSNP rs1555085687, ClinGen allele CA383454405.

ClinVar aggregate classification (germline): Uncertain significance (1 of 4 stars; one submission).

Conditions:
Episodic ataxia type 1 (EA1). Also called: Episodic ataxia/myokymia syndrome; MYOKYMIA WITH PERIODIC ATAXIA; PAROXYSMAL ATAXIA WITH NEUROMYOTONIA, HEREDITARY; ATAXIA, EPISODIC, WITH MYOKYMIA. Identifiers: Orphanet 37612, Orphanet 972, MedGen C1719788, MONDO:0008047, OMIM 160120.

Allele frequency attached by ClinVar (database versions not stated): gnomAD exomes below 0.00001; TOPMed below 0.00001.

Submission:

Labcorp Genetics (formerly Invitae), Labcorp
Classification: Uncertain significance for Episodic ataxia type 1. Last evaluated: 2022-02-03. Review status: criteria provided, single submitter. Criteria: Invitae Variant Classification Sherloc (09022015). Collection method: clinical testing. Allele origin: germline.
Comment: In summary, the available evidence is currently insufficient to determine the role of this variant in disease. Therefore, it has been classified as a Variant of Uncertain Significance. Advanced modeling of protein sequence and biophysical properties (such as structural, functional, and spatial information, amino acid conservation, physicochemical variation, residue mobility, and thermodynamic stability) performed at Invitae indicates that this missense variant is not expected to disrupt KCNA1 protein function. ClinVar contains an entry for this variant (Variation ID: 463863). This variant has not been reported in the literature in individuals affected with KCNA1-related conditions. This variant is not present in population databases (gnomAD no frequency). This sequence change replaces glutamic acid, which is acidic and polar, with lysine, which is basic and polar, at codon 124 of the KCNA1 protein (p.Glu124Lys).